The following is an entry in ClinVar:

ClinVar aggregate classification (germline): Conflicting classifications of pathogenicity. Review status: criteria provided, conflicting classifications (1 of 4 stars). 2 submissions from 2 submitters: Uncertain significance (1); Likely benign (1). Last evaluated 2025-12-15.

Allele frequency attached by ClinVar (database versions not stated): gnomAD exomes 0.00004 and 0.00012; ExAC 0.00017; gnomAD 0.00045 and 0.00038; TOPMed 0.00039; ESP Exome Variant Server 0.00054.
gnomAD v4.1: 119 of 1,613,878 alleles (0.0074%); highest among the groups gnomAD compares: African/African-American, 0.14%; no homozygotes.

Submissions (2):

Labcorp Genetics (formerly Invitae), Labcorp
Classification: Uncertain significance. Last evaluated: 2025-12-15. Review status: criteria provided, single submitter. Criteria: Invitae Variant Classification Sherloc (09022015). Collection method: clinical testing. Allele origin: germline.
Comment: This sequence change replaces proline, which is neutral and non-polar, with leucine, which is neutral and non-polar, at codon 547 of the DNM1L protein (p.Pro547Leu). This variant is present in population databases (rs146565893, gnomAD 0.1%). This variant has not been reported in the literature in individuals affected with DNM1L-related conditions. ClinVar contains an entry for this variant (Variation ID: 214303). An algorithm developed to predict the effect of missense changes on protein structure and function (PolyPhen-2) suggests that this variant is likely to be tolerated. In summary, the available evidence is currently insufficient to determine the role of this variant in disease. Therefore, it has been classified as a Variant of Uncertain Significance.

GeneDx
Classification: Likely benign. Last evaluated: 2018-09-13. Review status: criteria provided, single submitter. Criteria: GeneDx Variant Classification Process June 2021. Collection method: clinical testing. Allele origin: germline. Affected: yes.

NM_012062.5(DNM1L):c.1640C>T (p.Pro547Leu)

Gene: DNM1L (dynamin 1 like; plus strand). Cytogenetic location: 12p11.21.
Variant type: single nucleotide variant.
Coding change: c.1640C>T on transcript NM_012062.5 (MANE Select); coding-DNA position 1640, C replaced by T.
Protein change: p.Pro547Leu; replaces proline 547 with leucine.
Molecular consequence: missense variant. On other transcripts: intron variant (3).
Genome position (GRCh38, 1-based): chr12:32,737,908, C>T. VCF-style: chr12-32737908-C-T. GRCh37 (hg19) VCF-style: chr12-32890842-C-T.
Other names: p.P547L:CCC>CTC; c.1640C>T, p.Pro547Leu (NM_001278463.2); c.1679C>T, p.Pro560Leu (NM_001278464.2, NM_001278465.2); c.1031C>T, p.Pro344Leu (NM_001278466.2); c.1635+747C>T (NM_001330380.2); c.1597-356C>T (NM_012063.4); c.1596+747C>T (NM_005690.5); short protein forms P547L, P344L, P560L.
Identifiers: ClinVar variation 214303 (VCV000214303.9), dbSNP rs146565893, ClinGen allele CA322482.